The following is an entry in ClinVar:

ClinVar aggregate classification (germline): Pathogenic/Likely pathogenic. Review status: criteria provided, multiple submitters, no conflicts (2 of 4 stars). 2 submissions from 2 submitters: Pathogenic (1); Likely pathogenic (1). Last evaluated 2022-04-12.

Conditions:
46,XX ovarian dysgenesis-short stature syndrome (ODG4). Also called: OVARIAN DYSGENESIS 4. Identifiers: Orphanet 444048, MedGen C4015409, MONDO:0014520, OMIM 616185.

Allele frequency attached by ClinVar (database versions not stated): gnomAD exomes below 0.00001; TOPMed 0.00001; gnomAD 0.00002; 1000 Genomes Project 30x 0.00016.
gnomAD v4.1: 5 of 1,535,316 alleles (0.00033%); highest among the groups gnomAD compares: East Asian, 0.0098%; no homozygotes.

Submissions (2):

MGZ Medical Genetics Center
Classification: Likely pathogenic for 46,XX ovarian dysgenesis-short stature syndrome. Last evaluated: 2022-04-12. Review status: criteria provided, single submitter. Criteria: ACMG Guidelines, 2015. Collection method: clinical testing. Allele origin: germline. Affected: yes. Observed: 2 variant alleles.
Comment: ACMG criteria applied: PVS1, PM2_SUP

Juno Genomics, Hangzhou Juno Genomics, Inc
Classification: Pathogenic for 46,XX ovarian dysgenesis-short stature syndrome. Review status: criteria provided, single submitter. Criteria: ACMG Guidelines, 2015. Collection method: clinical testing. Allele origin: germline. Affected: yes.
Comment: Absent from controls (or at extremely low frequency if recessive) in Genome Aggregation Database, Exome Sequencing Project, 1000 Genomes Project, or Exome Aggregation Consortium.;Null variant in a gene where loss of function (LOF) is a known mechanism of disease.;For recessive disorders, detected in trans with a pathogenic variant.;Patient's phenotype or family history is highly specific for a disease with a single genetic etiology.

NM_017696.3(MCM9):c.1151-1G>A

Gene: MCM9 (minichromosome maintenance 9 homologous recombination repair factor; minus strand). Cytogenetic location: 6q22.31.
Variant type: single nucleotide variant.
Coding change: c.1151-1G>A on transcript NM_017696.3 (MANE Select); the canonical splice acceptor site of the intron before coding-DNA position 1151, G replaced by A.
Molecular consequence: splice acceptor variant.
Genome position (GRCh38, 1-based): chr6:118,856,546, C>T on the plus strand (G>A on the coding strand, the complement: MCM9 is on the minus strand). VCF-style: chr6-118856546-C-T. GRCh37 (hg19) VCF-style: chr6-119177709-C-T.
Other names: c.1025-1G>A (NM_001378366.1); c.1151-1G>A (NM_001378364.1, NM_001378360.1, NM_001378356.1 and 2 more transcripts); c.953-1G>A (NM_001378367.1).
Identifiers: ClinVar variation 1709346 (VCV001709346.4), dbSNP rs1380220881, ClinGen allele CA365547679.
Genomic context (GRCh38, chr6:118,856,546, plus strand): 5'-CTAATGCCCCAGCCTCCAAATTCCATTCTCCTGAGTCTTTTACAGCAGTTACCGTCAGAC[C>T]TGAGGAAACAAGCAAGCCATATCAACTTTTATTTTCAAAAGCATTATCTTGACTGGGCGC-3'